The following is an entry in ClinVar:

ClinVar aggregate classification (germline): Uncertain significance (1 of 4 stars; one submission).

Conditions:
Neurofibromatosis, type 1 (NF1). Also called: NEUROFIBROMATOSIS, TYPE I, SOMATIC; VON RECKLINGHAUSEN DISEASE; Peripheral type neurofibromatosis; Neurofibromatosis, type I. Identifiers: Orphanet 636, MedGen C0027831, MONDO:0018975, OMIM 162200. Disease mechanism: loss of function.

Submission:

Labcorp Genetics (formerly Invitae), Labcorp
Classification: Uncertain significance for Neurofibromatosis, type 1. Last evaluated: 2021-04-06. Review status: criteria provided, single submitter. Criteria: Invitae Variant Classification Sherloc (09022015). Collection method: clinical testing. Allele origin: germline.
Comment: In summary, the available evidence is currently insufficient to determine the role of this variant in disease. Therefore, it has been classified as a Variant of Uncertain Significance. Algorithms developed to predict the effect of missense changes on protein structure and function are either unavailable or do not agree on the potential impact of this missense change (SIFT: "Deleterious"; PolyPhen-2: "Probably Damaging"; Align-GVGD: "Class C0"). This variant has not been reported in the literature in individuals with NF1-related conditions. This variant is not present in population databases (ExAC no frequency). This sequence change replaces histidine with proline at codon 2240 of the NF1 protein (p.His2240Pro). The histidine residue is highly conserved and there is a moderate physicochemical difference between histidine and proline.

NM_001042492.3(NF1):c.6782A>C (p.His2261Pro)

Gene: NF1 (neurofibromin 1; plus strand). Cytogenetic location: 17q11.2.
Variant type: single nucleotide variant.
Coding change: c.6782A>C on transcript NM_001042492.3 (MANE Select); coding-DNA position 6782, A replaced by C.
Protein change: p.His2261Pro; replaces histidine 2261 with proline.
Molecular consequence: missense variant.
Genome position (GRCh38, 1-based): chr17:31,338,102, A>C. VCF-style: chr17-31338102-A-C. GRCh37 (hg19) VCF-style: chr17-29665120-A-C.
Other names: c.6719A>C, p.His2240Pro (NM_000267.4); short protein forms H2261P, H2240P.
Identifiers: ClinVar variation 1465581 (VCV001465581.8), dbSNP rs201336602, ClinGen allele CA399014144.